The following is an entry in ClinVar:

NM_030665.4(RAI1):c.834GCA[20] (p.Gln285_Gln291dup)

Gene: RAI1 (retinoic acid induced 1; plus strand). Cytogenetic location: 17p11.2.
Variant type: Microsatellite.
Coding change: c.834GCA[20] on transcript NM_030665.4 (MANE Select); 20 copies in a row of the 3-base unit GCA starting at c.834; the reference has 13 copies in a row; seven copies, 21 bases duplicated.
Protein change: p.Gln285_Gln291dup.
Molecular consequence: inframe insertion.
Genome position (GRCh38, 1-based): chr17:17,793,800-17,793,820, GCAGCAGCAGCAGCAGCAGCA duplicated; duplicating any 21 consecutive bases within chr17:17,793,780-17,793,820 gives the same sequence; the position shown is the placement nearest the transcript's 3' end. VCF-style (leftmost placement, unchanged base first): chr17-17793779-C-CCAGCAGCAGCAGCAGCAGCAG. GRCh37 (hg19) VCF-style: chr17-17697093-C-CCAGCAGCAGCAGCAGCAGCAG.
Other names: c.852_872dup21 (NM_030665.3).
Identifiers: ClinVar variation 1442236 (VCV001442236.7), dbSNP rs371983878, ClinGen allele CA726623055.

ClinVar aggregate classification (germline): Conflicting classifications of pathogenicity. Review status: criteria provided, conflicting classifications (1 of 4 stars). 2 submissions from 2 submitters: Uncertain significance (1); Likely benign (1). Last evaluated 2026-05-11.

Conditions:
RAI1-related disorder. Also called: RAI1-related condition.

Submissions (2):

PreventionGenetics, part of Exact Sciences
Classification: Uncertain significance for RAI1-related condition. Last evaluated: 2026-05-11. Review status: criteria provided, single submitter. Criteria: ACMG Guidelines, 2015. Collection method: clinical testing. Allele origin: germline.
Comment: The RAI1 c.852_872dup21 variant is predicted to result in an in-frame duplication (p.Gln285_Gln291dup). This variant occurs in a poly-glutamine repeat track in exon 3 of RAI1. To our knowledge, this variant has not been reported in the literature or in a large population database, indicating this variant is rare. At this time, the clinical significance of this variant is uncertain due to the absence of conclusive functional and genetic evidence.

Labcorp Genetics (formerly Invitae), Labcorp
Classification: Likely benign. Last evaluated: 2025-12-05. Review status: criteria provided, single submitter. Criteria: Invitae Variant Classification Sherloc (09022015). Collection method: clinical testing. Allele origin: germline.